The following is an entry in ClinVar:

NM_001044385.3(TMEM237):c.284C>A (p.Thr95Asn)

Gene: TMEM237 (transmembrane protein 237; minus strand). Cytogenetic location: 2q33.1.
Variant type: single nucleotide variant.
Coding change: c.284C>A on transcript NM_001044385.3 (MANE Select); coding-DNA position 284, C replaced by A.
Protein change: p.Thr95Asn; replaces threonine 95 with asparagine.
Molecular consequence: missense variant.
Genome position (GRCh38, 1-based): chr2:201,633,422, G>T on the plus strand (C>A on the coding strand, the complement: TMEM237 is on the minus strand). VCF-style: chr2-201633422-G-T. GRCh37 (hg19) VCF-style: chr2-202498145-G-T.
Other names: c.260C>A, p.Thr87Asn (NM_152388.4); short protein forms T87N, T95N.
Identifiers: ClinVar variation 2416503 (VCV002416503.7), dbSNP rs780447853, ClinGen allele CA2056524.

ClinVar aggregate classification (germline): Uncertain significance. Review status: criteria provided, multiple submitters, no conflicts (2 of 4 stars). 3 submissions from 3 submitters: Uncertain significance (3). Last evaluated 2024-05-16.

Conditions:
Joubert syndrome 14 (JBTS14). Identifiers: MedGen C3280766, MONDO:0013745, OMIM 614424.

Allele frequency attached by ClinVar (database versions not stated): gnomAD 0.00001; gnomAD exomes 0.00001; ExAC 0.00003.

Submissions (3):

Fulgent Genetics
Classification: Uncertain significance for Joubert syndrome 14. Last evaluated: 2024-05-16. Review status: criteria provided, single submitter. Criteria: ACMG Guidelines, 2015. Collection method: clinical testing. Allele origin: germline.

Blueprint Genetics
Classification: Uncertain significance. Last evaluated: 2024-02-16. Review status: criteria provided, single submitter. Criteria: ACMG Guidelines, 2015. Collection method: clinical testing. Allele origin: germline.

Labcorp Genetics (formerly Invitae), Labcorp
Classification: Uncertain significance for Joubert syndrome 14. Last evaluated: 2023-08-04. Review status: criteria provided, single submitter. Criteria: Invitae Variant Classification Sherloc (09022015). Collection method: clinical testing. Allele origin: germline.
Comment: In summary, the available evidence is currently insufficient to determine the role of this variant in disease. Therefore, it has been classified as a Variant of Uncertain Significance. Advanced modeling of protein sequence and biophysical properties (such as structural, functional, and spatial information, amino acid conservation, physicochemical variation, residue mobility, and thermodynamic stability) performed at Invitae indicates that this missense variant is not expected to disrupt TMEM237 protein function. ClinVar contains an entry for this variant (Variation ID: 2416503). This variant has not been reported in the literature in individuals affected with TMEM237-related conditions. The frequency data for this variant in the population databases is considered unreliable, as metrics indicate poor data quality at this position in the gnomAD database. This sequence change replaces threonine, which is neutral and polar, with asparagine, which is neutral and polar, at codon 95 of the TMEM237 protein (p.Thr95Asn).